The following is an entry in ClinVar:

NM_001040108.2(MLH3):c.1829C>T (p.Thr610Ile)

Gene: MLH3 (mutL homolog 3; minus strand). Cytogenetic location: 14q24.3.
Variant type: single nucleotide variant.
Coding change: c.1829C>T on transcript NM_001040108.2 (MANE Select); coding-DNA position 1829, C replaced by T.
Protein change: p.Thr610Ile; replaces threonine 610 with isoleucine.
Molecular consequence: missense variant.
Genome position (GRCh38, 1-based): chr14:75,047,827, G>A on the plus strand (C>T on the coding strand, the complement: MLH3 is on the minus strand). VCF-style: chr14-75047827-G-A. GRCh37 (hg19) VCF-style: chr14-75514530-G-A.
Other names: c.1829C>T, p.Thr610Ile (NM_014381.3); short protein forms T610I.
Identifiers: ClinVar variation 1780901 (VCV001780901.2), dbSNP rs2503285602, ClinGen allele CA390444112.

ClinVar aggregate classification (germline): Uncertain significance (1 of 4 stars; one submission).

Submission:

Ambry Genetics
Classification: Uncertain significance. Last evaluated: 2024-03-19. Review status: criteria provided, single submitter. Criteria: Ambry Variant Classification Scheme 2023. Collection method: clinical testing. Allele origin: germline.
Comment: The p.T610I variant (also known as c.1829C>T), located in coding exon 1 of the MLH3 gene, results from a C to T substitution at nucleotide position 1829. The threonine at codon 610 is replaced by isoleucine, an amino acid with similar properties. This amino acid position is conserved. In addition, this alteration is predicted to be tolerated by in silico analysis. Since supporting evidence is limited at this time, the clinical significance of this alteration remains unclear.